The following is an entry in ClinVar:

ClinVar aggregate classification (germline): Pathogenic (1 of 4 stars; one submission).

Conditions:
Immunodeficiency 97 with autoinflammation (IMD97). Identifiers: MedGen C5676946, MONDO:0030717, OMIM 619802.

Submission:

3billion
Classification: Pathogenic for Immunodeficiency 97 with autoinflammation. Last evaluated: 2024-02-28. Review status: criteria provided, single submitter. Criteria: ACMG Guidelines, 2015. Collection method: clinical testing. Allele origin: germline. Affected: yes.
Comment: The variant is not observed in the gnomAD v2.1.1 dataset. Predicted Consequence/Location: Frameshift: predicted to result in a loss or disruption of normal protein function through nonsense-mediated decay (NMD) or protein truncation. A pathogenic variant is reported downstream of the variant. Therefore, this variant is classified as Pathogenic according to the recommendation of ACMG/AMP guideline.

NM_001282426.2(PIK3CG):c.[391_397del;456_468del]

Variant type: Haplotype.
Identifiers: ClinVar variation 3775985 (VCV003775985.1).